The following is an entry in ClinVar:

NM_000138.5(FBN1):c.3380G>A (p.Gly1127Asp)

Gene: FBN1 (fibrillin 1; minus strand). Cytogenetic location: 15q21.1.
Variant type: single nucleotide variant.
Coding change: c.3380G>A on transcript NM_000138.5 (MANE Select); coding-DNA position 3380, G replaced by A.
Protein change: p.Gly1127Asp; replaces glycine 1127 with aspartic acid.
Molecular consequence: missense variant.
Genome position (GRCh38, 1-based): chr15:48,487,395, C>T on the plus strand (G>A on the coding strand, the complement: FBN1 is on the minus strand). VCF-style: chr15-48487395-C-T. GRCh37 (hg19) VCF-style: chr15-48779592-C-T.
Other names: short protein forms G1127D.
Identifiers: ClinVar variation 495589 (VCV000495589.11), dbSNP rs1064794882, ClinGen allele CA392326583.
Genomic context (GRCh38, chr15:48,487,395, plus strand): 5'-GACAGCTGATGGCCAGGCGGGCATTCACAGCGGTAACTTCCCTCTGTGTTATGGCAAACA[C>T]CACCTCGGCATAGGAGAGGATCTCTCTGACACTCATCAATATCTGCAAAATGGAAATGAC-3'
Protein context (NP_000129.3, residues 1117-1137): CQRDPLLCRG[Gly1127Asp]VCHNTEGSYR

ClinVar aggregate classification (germline): Conflicting classifications of pathogenicity. Review status: criteria provided, conflicting classifications (1 of 4 stars). 3 submissions from 3 submitters: Likely pathogenic (2); Uncertain significance (1). Last evaluated 2024-10-31.

Conditions:
Marfan syndrome (MFS). Also called: MARFAN SYNDROME, TYPE I; FBN1-Related Marfan Syndrome; Marfan syndrome type 1; Marfan's syndrome; Marfan syndrome, classic. Identifiers: Orphanet 284963, Orphanet 558, MedGen C0024796, MONDO:0007947, OMIM 154700.
Familial thoracic aortic aneurysm and aortic dissection (TAAD). Also called: Thoracic aortic aneurysms and dissections. Identifiers: Orphanet 91387, MedGen C4707243, MONDO:0019625.

Submissions (3):

Revvity Omics, Revvity
Classification: Likely pathogenic. Last evaluated: 2024-10-31. Review status: criteria provided, single submitter. Criteria: ACMG Guidelines, 2015. Collection method: clinical testing. Allele origin: germline.

Labcorp Genetics (formerly Invitae), Labcorp
Classification: Likely pathogenic for Marfan syndrome; Familial thoracic aortic aneurysm and aortic dissection. Last evaluated: 2021-07-25. Review status: criteria provided, single submitter. Criteria: Invitae Variant Classification Sherloc (09022015). Collection method: clinical testing. Allele origin: germline.
Comment: In summary, the currently available evidence indicates that the variant is pathogenic, but additional data are needed to prove that conclusively. Therefore, this variant has been classified as Likely Pathogenic. This variant disrupts the p.Gly1127 amino acid residue in FBN1. Other variant(s) that disrupt this residue have been determined to be pathogenic (PMID: 7762551, 9525872, 12651868). This suggests that this residue is clinically significant, and that variants that disrupt this residue are likely to be disease-causing. Advanced modeling of protein sequence and biophysical properties (such as structural, functional, and spatial information, amino acid conservation, physicochemical variation, residue mobility, and thermodynamic stability) performed at Invitae indicates that this missense variant is expected to disrupt FBN1 protein function. ClinVar contains an entry for this variant (Variation ID: 495589). This variant has not been reported in the literature in individuals affected with FBN1-related conditions. This variant is not present in population databases (ExAC no frequency). This sequence change replaces glycine with aspartic acid at codon 1127 of the FBN1 protein (p.Gly1127Asp). The glycine residue is highly conserved and there is a moderate physicochemical difference between glycine and aspartic acid.

Women's Health and Genetics/Laboratory Corporation of America, LabCorp
Classification: Uncertain significance. Last evaluated: 2016-03-25. Review status: criteria provided, single submitter. Criteria: LabCorp Variant Classification Summary - May 2015. Collection method: clinical testing. Allele origin: germline.
Comment: Variant summary: The FBN1 variant c.3380G>A affects a conserved nucleotide, resulting in amino acid change from Gly to Asp at codon 1127. 4/4 in-silico tools predict this variant to be damaging. The glycine in this position is highly conserved in EGF-like domains of FBN1. Francke et al. (1995) and Khau Van Kien et al. (2010) suggested that mutations such as this may disrupt EGF-like domain folding less dramatically than do substitutions of cysteine or other amino acids important for calcium-binding that cause classic Marfan syndrome, potentially leading to a less severe fibrillinopathy phenotype. Another missense variant in the same codon, p.Gly1127Ser, has been reported to co-segregate in a fibrillinopathy disease family and functional studies show a defect in extracellular matrix deposition (p.Gly1127Ser classified as VUS-possibly pathogenic by LCA). Additionally, p.Gly1127Val, has been reported in one MFS patient in a database (UMD). However, the variant of interest, Gly1127Asp, has not, to our knowledge, been reported in affected individuals via publications and/or reputable databases/clinical laboratories, nor evaluated for functional impact by in vivo/vitro studies. Also, this variant was not found in approximately 121392 control chromosomes from broad and large populations of ExAC. Because of the absence of clinical information and the lack of functional studies, the variant has currently been classified as a variant of uncertain significance (VUS) until additional information becomes available.

Literature cited by the submitters: PubMed 7762551 (cited by Labcorp Genetics (formerly Invitae), Labcorp); PubMed 9525872 (cited by Labcorp Genetics (formerly Invitae), Labcorp); PubMed 12651868 (cited by Labcorp Genetics (formerly Invitae), Labcorp); PubMed 19802897 (cited by Women's Health and Genetics/Laboratory Corporation of America, LabCorp).